The following is an entry in ClinVar:

NM_007259.5(VPS45):c.778A>G (p.Arg260Gly)

Gene: VPS45 (vacuolar protein sorting 45 homolog; plus strand). Cytogenetic location: 1q21.2.
Variant type: single nucleotide variant.
Coding change: c.778A>G on transcript NM_007259.5 (MANE Select); coding-DNA position 778, A replaced by G.
Protein change: p.Arg260Gly; replaces arginine 260 with glycine.
Molecular consequence: missense variant. On other transcripts: non-coding transcript variant (1).
Genome position (GRCh38, 1-based): chr1:150,081,432, A>G. VCF-style: chr1-150081432-A-G. GRCh37 (hg19) VCF-style: chr1-150053514-A-G.
Other names: p.Arg260Gly; c.778A>G (NM_007259.3); c.463A>G, p.Arg155Gly (NM_001279353.2); c.670A>G, p.Arg224Gly (NM_001279354.2); short protein forms R224G, R155G, R260G.
Identifiers: ClinVar variation 850179 (VCV000850179.8), dbSNP rs587646859, ClinGen allele CA1073233.

ClinVar aggregate classification (germline): Uncertain significance. Review status: criteria provided, multiple submitters, no conflicts (2 of 4 stars). 4 submissions from 4 submitters: Uncertain significance (3). 1 of the submissions does not count toward it. Last evaluated 2025-07-16.

Conditions:
Congenital neutropenia-myelofibrosis-nephromegaly syndrome. Also called: Severe congenital neutropenia 5, autosomal recessive. Identifiers: Orphanet 369852, MedGen C3809031, MONDO:0014118, OMIM 615285.
Inborn genetic diseases. Identifiers: MedGen C0950123, MeSH D030342.

Allele frequency attached by ClinVar (database versions not stated): ExAC 0.00001; gnomAD 0.00012; gnomAD exomes 0.00002 and 0.00001; TOPMed 0.00033; 1000 Genomes Project 30x 0.00016; 1000 Genomes Project 0.00020.
gnomAD v4.1: 33 of 1,602,962 alleles (0.0021%); highest among the groups gnomAD compares: Admixed American, 0.043%; no homozygotes.

Submissions (4):

Mayo Clinic Laboratories, Mayo Clinic
Classification: Uncertain significance. Last evaluated: 2025-07-16. Review status: criteria provided, single submitter. Criteria: ACMG Guidelines, 2015. Collection method: clinical testing. Allele origin: germline. Observed: 1 variant allele.
Comment: PM2_supporting

Ambry Genetics
Classification: Uncertain significance for Inborn genetic diseases. Last evaluated: 2024-09-09. Review status: criteria provided, single submitter. Criteria: Ambry Variant Classification Scheme 2023. Collection method: clinical testing. Allele origin: germline.

Labcorp Genetics (formerly Invitae), Labcorp
Classification: Uncertain significance for Congenital neutropenia-myelofibrosis-nephromegaly syndrome. Last evaluated: 2022-07-11. Review status: criteria provided, single submitter. Criteria: Invitae Variant Classification Sherloc (09022015). Collection method: clinical testing. Allele origin: germline.
Comment: This sequence change replaces arginine, which is basic and polar, with glycine, which is neutral and non-polar, at codon 260 of the VPS45 protein (p.Arg260Gly). This variant is present in population databases (rs587646859, gnomAD 0.007%). This variant has not been reported in the literature in individuals affected with VPS45-related conditions. ClinVar contains an entry for this variant (Variation ID: 850179). Algorithms developed to predict the effect of missense changes on protein structure and function are either unavailable or do not agree on the potential impact of this missense change (SIFT: "Deleterious"; PolyPhen-2: "Benign"; Align-GVGD: "Class C0"). In summary, the available evidence is currently insufficient to determine the role of this variant in disease. Therefore, it has been classified as a Variant of Uncertain Significance.

Natera, Inc.
Classification: Uncertain significance for Autosomal recessive severe congenital neutropenia 5. Last evaluated: 2020-06-18. Review status: no assertion criteria provided. Collection method: clinical testing. Allele origin: germline. Not counted in ClinVar's aggregate classification.